The following is an entry in ClinVar:

ClinVar aggregate classification (germline): Pathogenic/Likely pathogenic. Review status: criteria provided, multiple submitters, no conflicts (2 of 4 stars). 2 submissions from 2 submitters: Pathogenic (1); Likely pathogenic (1). Last evaluated 2025-03-18.

Conditions:
Nemaline myopathy 2 (NEM2). Also called: Nemaline myopathy 2, autosomal recessive. Identifiers: MedGen C1850569, MONDO:0009725, OMIM 256030.
Nemaline myopathy. Also called: Myopathies, Nemaline. Identifiers: Orphanet 607, MedGen C0206157, MONDO:0018958.

gnomAD v4.1: 2 of 1,611,880 alleles (0.00012%); highest among the groups gnomAD compares: South Asian, 0.0011%; no homozygotes.

Submissions (2):

Broad Center for Mendelian Genomics, Broad Institute of MIT and Harvard
Classification: Likely pathogenic for Nemaline myopathy. Last evaluated: 2025-03-18. Review status: criteria provided, single submitter. Criteria: ACMG Guidelines, 2015. Collection method: curation. Allele origin: germline. Inheritance: Autosomal recessive inheritance.
Comment: The p.Glu2069Ter variant in NEB has not been previously reported in the literature in individuals with nemaline myopathy, but has been identified in 0.001% (1/90806) South Asian chromosomes by the Genome Aggregation Database (gnomAD). Although this variant has been seen in the general population in a heterozygous state, its frequency is low enough to be consistent with a recessive carrier frequency. This variant has also been reported in ClinVar (Variation ID: 2172194) and has been interpreted as pathogenic by Invitae. This nonsense variant leads to a premature termination codon at position 2069, which is predicted to lead to a truncated or absent protein. Loss of function of the NEB gene is an established disease mechanism in autosomal recessive nemaline myopathy. In summary, although additional studies are required to fully establish its clinical significance, this variant is likely pathogenic for autosomal recessive nemaline myopathy. ACMG/AMP Criteria applied: PVS1, PM2_supporting (Richards 2015).

Labcorp Genetics (formerly Invitae), Labcorp
Classification: Pathogenic for Nemaline myopathy 2. Last evaluated: 2022-09-22. Review status: criteria provided, single submitter. Criteria: Invitae Variant Classification Sherloc (09022015). Collection method: clinical testing. Allele origin: germline.
Comment: This variant has not been reported in the literature in individuals affected with NEB-related conditions. This variant is not present in population databases (gnomAD no frequency). This sequence change creates a premature translational stop signal (p.Glu2069*) in the NEB gene. It is expected to result in an absent or disrupted protein product. Loss-of-function variants in NEB are known to be pathogenic (PMID: 25205138). Algorithms developed to predict the effect of sequence changes on RNA splicing suggest that this variant may create or strengthen a splice site. For these reasons, this variant has been classified as Pathogenic.

Literature cited by the submitters: PubMed 25205138 (cited by Labcorp Genetics (formerly Invitae), Labcorp).

NM_001164508.2(NEB):c.6205G>T (p.Glu2069Ter)

Gene: NEB (nebulin; minus strand). Cytogenetic location: 2q23.3.
Variant type: single nucleotide variant.
Coding change: c.6205G>T on transcript NM_001164508.2 (MANE Select); coding-DNA position 6205, G replaced by T.
Protein change: p.Glu2069Ter; replaces glutamic acid 2069 with a stop codon.
Molecular consequence: nonsense.
Genome position (GRCh38, 1-based): chr2:151,656,443, C>A on the plus strand (G>T on the coding strand, the complement: NEB is on the minus strand). VCF-style: chr2-151656443-C-A. GRCh37 (hg19) VCF-style: chr2-152512957-C-A.
Other names: NM_001164508.2(NEB):c.6205G>T; p.Glu2069Ter; c.6205G>T, p.Glu2069Ter (NM_001164507.2, NM_001271208.2, NM_004543.5); short protein forms E2069*.
Identifiers: ClinVar variation 2172194 (VCV002172194.5), dbSNP rs754065526, ClinGen allele CA348800495.